The following is an entry in ClinVar:

ClinVar aggregate classification (germline): Likely benign (1 of 4 stars; one submission).

Allele frequency attached by ClinVar (database versions not stated): gnomAD 0.00697 and 0.00748; 1000 Genomes Project 0.00759; 1000 Genomes Project 30x 0.00781; TOPMed 0.00908.
gnomAD v4.1: 915 of 131,806 alleles (0.69%); highest among the groups gnomAD compares: African/African-American, 2.6%; 20 homozygotes.

Submission:

GeneDx
Classification: Likely benign. Last evaluated: 2018-06-14. Review status: criteria provided, single submitter. Criteria: GeneDx Variant Classification (06012015). Collection method: clinical testing. Allele origin: germline. Affected: yes.
Comment: This variant is considered likely benign or benign based on one or more of the following criteria: it is a conservative change, it occurs at a poorly conserved position in the protein, it is predicted to be benign by multiple in silico algorithms, and/or has population frequency not consistent with disease.

NM_000093.5(COL5A1):c.2647-250C>T

Gene: COL5A1 (collagen type V alpha 1 chain; plus strand). Cytogenetic location: 9q34.3.
Variant type: single nucleotide variant.
Coding change: c.2647-250C>T on transcript NM_000093.5 (MANE Select); 250 bases into the intron before coding-DNA position 2647, C replaced by T.
Molecular consequence: intron variant.
Genome position (GRCh38, 1-based): chr9:134,788,905, C>T. VCF-style: chr9-134788905-C-T. GRCh37 (hg19) VCF-style: chr9-137680751-C-T.
Other names: c.2647-250C>T (NM_001278074.1).
Identifiers: ClinVar variation 679452 (VCV000679452.1), dbSNP rs377726116, ClinGen allele CA201106677.
Genomic context (GRCh38, chr9:134,788,905, plus strand): 5'-TGGATGAGTGGGAGGATAGGTAGACAGGCAGATAGATGAATGGGTGGGTGGGTGGGTAGA[C>T]AGGTAGACGGATGAATGGGTAGGTGGGTAGACAGGCGGATGAGTGGGTGGGTGGGTAGAC-3'